The following is an entry in ClinVar:

ClinVar aggregate classification (germline): Pathogenic (1 of 4 stars; one submission).

Conditions:
Perlman syndrome (PRLMNS). Identifiers: Orphanet 2849, MedGen C0796113, MONDO:0009965, OMIM 267000.

Submission:

Women's Health and Genetics/Laboratory Corporation of America, LabCorp
Classification: Pathogenic for Perlman syndrome. Last evaluated: 2024-12-05. Review status: criteria provided, single submitter. Criteria: LabCorp Variant Classification Summary - May 2015. Collection method: clinical testing. Allele origin: germline.
Comment: Variant summary: The variant involves the deletion of exon 9 in the DIS3L2 gene. This Copy Number Variant (CNV) is predicted to result in an in-frame deletion within this gene. A presumed nomenclature of c.(950+1_951-1)_(1124+1_1125-1)del has been designated for the purposes of this classification. The variant allele was found at a frequency of 0.00051 in 21364 control chromosomes (gnomAD Structural variants data set). This frequency is not significantly higher than estimated for a pathogenic variant in DIS3L2 causing Perlman Syndrome, allowing no conclusion about variant significance. Similar copy number variant has been reported in the literature in multiple bi-allelic individuals affected with Perlman Syndrome (example: Astuti_2012). These data indicate that the variant is very likely to be associated with disease. The following publication has been ascertained in the context of this evaluation (PMID: 22306653). ClinVar contains an entry for this variant (Variation ID: 1071530). Based on the evidence outlined above, the variant was classified as pathogenic.

Literature cited by the submitters: PubMed 22306653.

NC_000002.11:g.(233001430_233028168)_(233028343_233075035)del

Gene: DIS3L2 (DIS3 like 3'-5' exoribonuclease 2; plus strand). Cytogenetic location: 2q37.1.
Variant type: Deletion.
Identifiers: ClinVar variation 3768246 (VCV003768246.1).